The following is an entry in ClinVar:

NM_001393586.1(MYO7B):c.4496C>T (p.Thr1499Met)

Gene: MYO7B (myosin VIIB; plus strand). Cytogenetic location: 2q14.3.
Variant type: single nucleotide variant.
Coding change: c.4496C>T on transcript NM_001393586.1 (MANE Select); coding-DNA position 4496, C replaced by T.
Protein change: p.Thr1499Met; replaces threonine 1499 with methionine.
Molecular consequence: missense variant.
Genome position (GRCh38, 1-based): chr2:127,628,407, C>T. VCF-style: chr2-127628407-C-T. GRCh37 (hg19) VCF-style: chr2-128385982-C-T.
Other names: c.4418C>T, p.Thr1473Met (NM_001080527.2); c.977C>T, p.Thr326Met (NM_001393594.1); short protein forms T1473M, T1499M, T326M.
Identifiers: ClinVar variation 3039159 (VCV003039159.2), dbSNP rs147310604, ClinGen allele CA1861907.

ClinVar aggregate classification (germline): Benign (0 of 4 stars; one submission).

Conditions:
MYO7B-related disorder. Also called: MYO7B-related condition.

Allele frequency attached by ClinVar (database versions not stated): gnomAD exomes 0.00085; ExAC 0.00417; gnomAD 0.00890; ESP Exome Variant Server 0.00990; TOPMed 0.01031; 1000 Genomes Project 0.01058; 1000 Genomes Project 30x 0.01093.
gnomAD v4.1: 2,617 of 1,601,038 alleles (0.16%); highest among the groups gnomAD compares: African/African-American, 3.1%; 41 homozygotes.

Submission:

PreventionGenetics, part of Exact Sciences
Classification: Benign for MYO7B-related condition. Last evaluated: 2019-04-25. Review status: no assertion criteria provided. Collection method: clinical testing. Allele origin: germline.
Comment: This variant is classified as benign based on ACMG/AMP sequence variant interpretation guidelines (Richards et al. 2015 PMID: 25741868, with internal and published modifications).